The following is an entry in ClinVar:

NM_000059.4(BRCA2):c.538A>G (p.Ile180Val)

Gene: BRCA2 (BRCA2 DNA repair associated; plus strand). Cytogenetic location: 13q13.1.
Variant type: single nucleotide variant.
Coding change: c.538A>G on transcript NM_000059.4 (MANE Select); coding-DNA position 538, A replaced by G.
Protein change: p.Ile180Val; replaces isoleucine 180 with valine.
Molecular consequence: missense variant.
Genome position (GRCh38, 1-based): chr13:32,326,520, A>G. VCF-style: chr13-32326520-A-G. GRCh37 (hg19) VCF-style: chr13-32900657-A-G.
Other names: short protein forms I180V.
Identifiers: ClinVar variation 462378 (VCV000462378.17), dbSNP rs1555281048, ClinGen allele CA387757842.

ClinVar aggregate classification (germline): Uncertain significance. Review status: criteria provided, multiple submitters, no conflicts (2 of 4 stars). 3 submissions from 3 submitters: Uncertain significance (3). Last evaluated 2025-06-19.

Conditions:
Hereditary cancer-predisposing syndrome. Also called: Neoplastic Syndromes, Hereditary; Hereditary Cancer Syndrome; Hereditary neoplastic syndrome; Tumor predisposition. Identifiers: Orphanet 140162, MedGen C0027672, MeSH D009386, MONDO:0015356.
Hereditary breast ovarian cancer syndrome. Also called: Hereditary breast and ovarian cancer syndrome (HBOC); Hereditary breast and ovarian cancer syndrome; Breast and ovarian cancer; Hereditary breast and/or ovarian cancer syndrome; Hereditary breast and ovarian cancer; BRCA1- and BRCA2-Associated Hereditary Breast and Ovarian Cancer. Identifiers: Orphanet 145, MedGen C0677776, MeSH D061325, MONDO:0003582. Disease mechanism: loss of function.
Familial cancer of breast. Also called: BREAST CANCER, FAMILIAL; Hereditary breast cancer; hereditary breast carcinoma. Identifiers: Orphanet 227535, MedGen C0346153, MONDO:0016419, OMIM 114480. Disease mechanism: loss of function.

Allele frequency attached by ClinVar (database versions not stated): gnomAD exomes below 0.00001.
gnomAD v4.1: 1 of 1,613,566 alleles (0.000062%); highest among the groups gnomAD compares: Non-Finnish European, 0.000085%; no homozygotes.

Submissions (3):

Ambry Genetics
Classification: Uncertain significance for Hereditary cancer-predisposing syndrome. Last evaluated: 2025-06-19. Review status: criteria provided, single submitter. Criteria: Ambry Variant Classification Scheme 2023. Collection method: clinical testing. Allele origin: germline.
Comment: The p.I180V variant (also known as c.538A>G), located in coding exon 6 of the BRCA2 gene, results from an A to G substitution at nucleotide position 538. The isoleucine at codon 180 is replaced by valine, an amino acid with highly similar properties. This amino acid position is highly conserved in available vertebrate species. In addition, this alteration is predicted to be tolerated by in silico analysis. Since supporting evidence is limited at this time, the clinical significance of this alteration remains unclear.

Labcorp Genetics (formerly Invitae), Labcorp
Classification: Uncertain significance for Hereditary breast ovarian cancer syndrome. Last evaluated: 2024-10-30. Review status: criteria provided, single submitter. Criteria: Invitae Variant Classification Sherloc (09022015). Collection method: clinical testing. Allele origin: germline.
Comment: This sequence change replaces isoleucine, which is neutral and non-polar, with valine, which is neutral and non-polar, at codon 180 of the BRCA2 protein (p.Ile180Val). This variant is not present in population databases (gnomAD no frequency). This variant has not been reported in the literature in individuals affected with BRCA2-related conditions. ClinVar contains an entry for this variant (Variation ID: 462378). Invitae Evidence Modeling of protein sequence and biophysical properties (such as structural, functional, and spatial information, amino acid conservation, physicochemical variation, residue mobility, and thermodynamic stability) indicates that this missense variant is not expected to disrupt BRCA2 protein function with a negative predictive value of 95%. In summary, the available evidence is currently insufficient to determine the role of this variant in disease. Therefore, it has been classified as a Variant of Uncertain Significance.

Baylor Genetics
Classification: Uncertain significance for Familial cancer of breast. Last evaluated: 2024-02-18. Review status: criteria provided, single submitter. Criteria: ACMG Guidelines, 2015. Collection method: clinical testing. Allele origin: unknown.